The following is an entry in ClinVar:

ClinVar aggregate classification (germline): Uncertain significance (1 of 4 stars; one submission).

Conditions:
Hereditary cancer-predisposing syndrome. Also called: Tumor predisposition; Hereditary Cancer Syndrome; Neoplastic Syndromes, Hereditary; Hereditary neoplastic syndrome. Identifiers: Orphanet 140162, MedGen C0027672, MeSH D009386, MONDO:0015356.

Submission:

Ambry Genetics
Classification: Uncertain significance for Hereditary cancer-predisposing syndrome. Last evaluated: 2026-02-20. Review status: criteria provided, single submitter. Criteria: Ambry Variant Classification Scheme 2023. Collection method: clinical testing. Allele origin: germline.
Comment: The c.598-5C>T intronic variant results from a C to T substitution 5 nucleotides upstream from coding exon 5 in the STK11 gene. This nucleotide position is not well conserved in available vertebrate species. In silico splice site analysis predicts that this alteration will not have any significant effect on splicing. Based on the available evidence, the clinical significance of this variant remains unclear.

NM_000455.5(STK11):c.598-5C>T

Gene: STK11 (serine/threonine kinase 11; plus strand). Cytogenetic location: 19p13.3.
Variant type: single nucleotide variant.
Coding change: c.598-5C>T on transcript NM_000455.5 (MANE Select); 5 bases into the intron before coding-DNA position 598, C replaced by T.
Molecular consequence: intron variant.
Genome position (GRCh38, 1-based): chr19:1,220,576, C>T. VCF-style: chr19-1220576-C-T. GRCh37 (hg19) VCF-style: chr19-1220575-C-T.
Identifiers: ClinVar variation 480703 (VCV000480703.6), dbSNP rs1555738317, ClinGen allele CA658656747.